The following is an entry in ClinVar:

ClinVar aggregate classification (germline): Uncertain significance (1 of 4 stars; one submission).

Submission:

GeneDx
Classification: Uncertain significance. Last evaluated: 2025-06-06. Review status: criteria provided, single submitter. Criteria: GeneDx Variant Classification Process June 2021. Collection method: clinical testing. Allele origin: germline. Affected: yes.
Comment: Not observed at significant frequency in large population cohorts (gnomAD); In silico analysis supports that this missense variant has a deleterious effect on protein structure/function; Has not been previously published as pathogenic or benign to our knowledge

NM_001256627.2(BRSK2):c.183G>T (p.Met61Ile)

Gene: BRSK2 (BR serine/threonine kinase 2; plus strand). Cytogenetic location: 11p15.5.
Variant type: single nucleotide variant.
Coding change: c.183G>T on transcript NM_001256627.2 (MANE Select); coding-DNA position 183, G replaced by T.
Protein change: p.Met61Ile; replaces methionine 61 with isoleucine.
Molecular consequence: missense variant. On other transcripts: initiator codon variant (8), non-coding transcript variant (1).
Genome position (GRCh38, 1-based): chr11:1,436,131, G>T. VCF-style: chr11-1436131-G-T. GRCh37 (hg19) VCF-style: chr11-1457361-G-T.
Other names: c.183G>T, p.Met61Ile (NM_001256629.2, NM_001440665.1, NM_001440666.1 and 3 more transcripts); c.321G>T, p.Met107Ile (NM_001256630.1, NM_001440667.1); c.3G>T, p.Met1Ile (NM_001282218.2, NM_001440669.1, NM_001440671.1 and 5 more transcripts); short protein forms M107I, M1I, M61I.
Identifiers: ClinVar variation 4536234 (VCV004536234.1).